The following is an entry in ClinVar:

NM_000153.4(GALC):c.129C>G (p.Tyr43Ter)

Genes: GALC (galactosylceramidase; minus strand), LOC130056217 (ATAC-STARR-seq lymphoblastoid silent region 5988; plus strand). Cytogenetic location: 14q31.3.
Variant type: single nucleotide variant.
Coding change: c.129C>G on transcript NM_000153.4 (MANE Select); coding-DNA position 129, C replaced by G.
Protein change: p.Tyr43Ter; replaces tyrosine 43 with a stop codon.
Molecular consequence: nonsense. On other transcripts: intron variant (1).
Genome position (GRCh38, 1-based): chr14:87,993,036, G>C on the plus strand (C>G on the coding strand, the complement: GALC is on the minus strand). VCF-style: chr14-87993036-G-C. GRCh37 (hg19) VCF-style: chr14-88459380-G-C.
Other names: c.129C>G, p.Tyr43Ter (NM_001201401.2); c.117+347C>G (NM_001201402.2); short protein forms Y43*.
Identifiers: ClinVar variation 370855 (VCV000370855.15), dbSNP rs1057516816, ClinGen allele CA16041707.

ClinVar aggregate classification (germline): Pathogenic/Likely pathogenic. Review status: criteria provided, multiple submitters, no conflicts (2 of 4 stars). 6 submissions from 6 submitters: Pathogenic (3); Likely pathogenic (2). 1 of the submissions does not count toward it. Last evaluated 2026-01-07.

Conditions:
Galactosylceramide beta-galactosidase deficiency. Also called: Leukodystrophy, Globoid Cell; Krabbe Disease; GALACTOCEREBROSIDASE DEFICIENCY; GALC DEFICIENCY; GLOBOID CELL LEUKOENCEPHALOPATHY. Identifiers: Orphanet 487, MedGen C0023521, MONDO:0009499, OMIM 245200.

Allele frequency attached by ClinVar (database versions not stated): gnomAD 0.00001.
gnomAD v4.1: 4 of 1,555,196 alleles (0.00026%); highest among the groups gnomAD compares: East Asian, 0.0049%; no homozygotes.

Submissions (6):

Natera, Inc.
Classification: Pathogenic for Galactosylceramide beta-galactosidase deficiency. Last evaluated: 2026-01-07. Review status: criteria provided, single submitter. Criteria: Natera Variant Classification Schema (03/2026). Collection method: clinical testing. Allele origin: germline.
Comment: The c.129C>G variant in GALC is a nonsense variant predicted to introduce a stop codon at amino acid 43. This variant is expected to result in nonsense mediated decay, truncation, or a dysfunctional protein product. This variant is rare in the general population with a frequency below the threshold expected for the associated phenotype(s). This variant has been observed in one or more individuals affected with the associated recessive disease, as either homozygous or compound heterozygous with a second variant (PMID: 41276028). Given the available evidence, this variant is classified as Pathogenic.

Labcorp Genetics (formerly Invitae), Labcorp
Classification: Pathogenic for Galactosylceramide beta-galactosidase deficiency. Last evaluated: 2024-10-04. Review status: criteria provided, single submitter. Criteria: Invitae Variant Classification Sherloc (09022015). Collection method: clinical testing. Allele origin: germline.
Comment: This sequence change creates a premature translational stop signal (p.Tyr43*) in the GALC gene. It is expected to result in an absent or disrupted protein product. Loss-of-function variants in GALC are known to be pathogenic (PMID: 7437911, 9272171, 16607461). This variant is present in population databases (no rsID available, gnomAD 0.06%). This variant has not been reported in the literature in individuals affected with GALC-related conditions. ClinVar contains an entry for this variant (Variation ID: 370855). For these reasons, this variant has been classified as Pathogenic.

3billion
Classification: Pathogenic for Galactosylceramide beta-galactosidase deficiency. Last evaluated: 2024-06-13. Review status: criteria provided, single submitter. Criteria: ACMG Guidelines, 2015. Collection method: clinical testing. Allele origin: germline. Affected: yes.
Comment: The variant is observed at an extremely low frequency in the gnomAD v4.0.0 dataset (total allele frequency: <0.001%). Predicted Consequence/Location: Stop-gained (nonsense): predicted to result in a loss or disruption of normal protein function through nonsense-mediated decay (NMD) or protein truncation. Multiple pathogenic variants are reported downstream of the variant. The variant has been reported at least twice as pathogenic with clinical assertions and evidence for the classification (ClinVar ID: VCV000370855). Therefore, this variant is classified as Pathogenic according to the recommendation of ACMG/AMP guideline.

Fulgent Genetics
Classification: Likely pathogenic for Galactosylceramide beta-galactosidase deficiency. Last evaluated: 2024-04-23. Review status: criteria provided, single submitter. Criteria: ACMG Guidelines, 2015. Collection method: clinical testing. Allele origin: germline.

GeneDx
Classification: Likely pathogenic. Last evaluated: 2024-03-07. Review status: criteria provided, single submitter. Criteria: GeneDx Variant Classification Process June 2021. Collection method: clinical testing. Allele origin: germline. Affected: yes.
Comment: Nonsense variant predicted to result in protein truncation or nonsense mediated decay in a gene for which loss of function is a known mechanism of disease; Not observed at significant frequency in large population cohorts (gnomAD); Has not been previously published as pathogenic or benign to our knowledge; This variant is associated with the following publications: (PMID: 28552323, 9272171, 16607461, 7437911)

Counsyl
Classification: Likely pathogenic for Galactosylceramide beta-galactosidase deficiency. Last evaluated: 2016-04-28. Review status: no assertion criteria provided. Collection method: clinical testing. Allele origin: unknown. Not counted in ClinVar's aggregate classification.

Literature cited by the submitters: PubMed 41276028 (cited by Natera, Inc.); PubMed 7437911 (cited by Labcorp Genetics (formerly Invitae), Labcorp); PubMed 9272171 (cited by Labcorp Genetics (formerly Invitae), Labcorp); PubMed 16607461 (cited by Labcorp Genetics (formerly Invitae), Labcorp).